The following is an entry in ClinVar:

NM_001160372.4(TRAPPC9):c.761T>G (p.Val254Gly)

Gene: TRAPPC9 (trafficking protein particle complex subunit 9; minus strand). Cytogenetic location: 8q24.3.
Variant type: single nucleotide variant.
Coding change: c.761T>G on transcript NM_001160372.4 (MANE Select); coding-DNA position 761, T replaced by G.
Protein change: p.Val254Gly; replaces valine 254 with glycine.
Molecular consequence: missense variant. On other transcripts: non-coding transcript variant (1).
Genome position (GRCh38, 1-based): chr8:140,435,210, A>C on the plus strand (T>G on the coding strand, the complement: TRAPPC9 is on the minus strand). VCF-style: chr8-140435210-A-C. GRCh37 (hg19) VCF-style: chr8-141445309-A-C.
Other names: c.761T>G, p.Val254Gly (NM_001321646.2, NM_001374683.1, NM_001374684.1 and 1 more transcripts); c.782T>G, p.Val261Gly (NM_001374682.1); short protein forms V254G, V261G.
Identifiers: ClinVar variation 1778468 (VCV001778468.2), dbSNP rs2540452563, ClinGen allele CA372317435.
Genomic context (GRCh38, chr8:140,435,210, plus strand): 5'-CTGCCCTGGAACCTCCGAGCTCCACTCTTCCCACCAGTTCCACCAGGATAGTGATAGATG[A>C]CAGAAGCTGAACACAATCCTTCCAGGGCAGCTGGGCATTAAGAAAACAAAAAACAAAAAC-3'
Protein context (NP_001153844.1, residues 244-264): AALEGLCSAS[Val254Gly]IYHYPGGTGG

ClinVar aggregate classification (germline): Uncertain significance (1 of 4 stars; one submission).

Conditions:
Inborn genetic diseases. Identifiers: MedGen C0950123, MeSH D030342.

Submission:

Ambry Genetics
Classification: Uncertain significance for Inborn genetic diseases. Last evaluated: 2017-10-12. Review status: criteria provided, single submitter. Criteria: Ambry Variant Classification Scheme 2023. Collection method: clinical testing. Allele origin: germline.
Comment: The p.V352G variant (also known as c.1055T>G), located in coding exon 4 of the TRAPPC9 gene, results from a T to G substitution at nucleotide position 1055. The valine at codon 352 is replaced by glycine, an amino acid with dissimilar properties. This amino acid position is highly conserved in available vertebrate species. In addition, this alteration is predicted to be deleterious by in silico analysis. Since supporting evidence is limited at this time, the clinical significance of this alteration remains unclear.